The following is an entry in ClinVar:

ClinVar aggregate classification (germline): Likely pathogenic (1 of 4 stars; one submission).

Conditions:
Cystic fibrosis (CF). Also called: MUCOVISCIDOSIS. Identifiers: Orphanet 586, MedGen C0010674, MONDO:0009061, OMIM 219700. Disease mechanism: loss of function.

Submission:

Labcorp Genetics (formerly Invitae), Labcorp
Classification: Likely pathogenic for Cystic fibrosis. Last evaluated: 2021-08-04. Review status: criteria provided, single submitter. Criteria: Invitae Variant Classification Sherloc (09022015). Collection method: clinical testing. Allele origin: germline.
Comment: This variant is a gross deletion of the genomic region encompassing exon(s) 4 of the CFTR gene. This variant would be expected to be in-frame, preserving the integrity of the reading frame. This variant has not been reported in the literature in individuals affected with CFTR-related conditions. This variant disrupts the p.Gln98 amino acid residue in CFTR. Other variant(s) that disrupt this residue have been determined to be pathogenic (PMID: 7581407, 16778407, 19652440). This suggests that this residue is clinically significant, and that variants that disrupt this residue are likely to be disease-causing. In summary, the currently available evidence indicates that the variant is pathogenic, but additional data are needed to prove that conclusively. Therefore, this variant has been classified as Likely Pathogenic.

Literature cited by the submitters: PubMed 7581407; PubMed 16778407; PubMed 19652440.

NC_000007.13:g.(?_117170943)_(117171255_?)del

Gene: CFTR (CF transmembrane conductance regulator; plus strand). Cytogenetic location: 7q31.2.
Variant type: Deletion.
Identifiers: ClinVar variation 1067531 (VCV001067531.6).